The following is an entry in ClinVar:

NM_014795.4(ZEB2):c.1578_1579delinsA (p.Asp527fs)

Gene: ZEB2 (zinc finger E-box binding homeobox 2; minus strand). Cytogenetic location: 2q22.3.
Variant type: Indel.
Coding change: c.1578_1579delinsA on transcript NM_014795.4 (MANE Select); coding-DNA positions 1578 to 1579, TG replaced by A.
Protein change: p.Asp527fs; shifts the reading frame from aspartic acid 527.
Molecular consequence: frameshift variant.
Genome position (GRCh38, 1-based): chr2:144,399,608-144,399,609, CA replaced by T on the plus strand (TG replaced by A on the coding strand, the reverse complement: ZEB2 is on the minus strand). VCF-style: chr2-144399608-CA-T. GRCh37 (hg19) VCF-style: chr2-145157175-CA-T.
Other names: c.1506_1507delinsA, p.Asp503fs (NM_001171653.2); short protein forms D503fs, D527fs.
Identifiers: ClinVar variation 2687504 (VCV002687504.2), dbSNP rs2549106657, ClinGen allele CA2586970119.

ClinVar aggregate classification (germline): Pathogenic (1 of 4 stars; one submission).

Conditions:
Mowat-Wilson syndrome (MOWS). Also called: Classic Mowat-Wilson Syndrome. Identifiers: Orphanet 2152, MedGen C1856113, MONDO:0009341, OMIM 235730.

Submission:

Medical Genetics Unit, Azienda USL-IRCCS di Reggio Emilia
Classification: Pathogenic for Mowat-Wilson syndrome. Last evaluated: 2023-10-20. Review status: criteria provided, single submitter. Criteria: ACMG Guidelines, 2015. Collection method: clinical testing. Allele origin: de novo. Affected: yes. Observed: 1 variant allele.
Comment: Heterozygous variant associated with Mowat-Wilson syndrome in at least 1 individual. ACMG/AMP criteria PVS1, PS2, PM2, PP4

Literature cited by the submitters: PubMed 29300384.